The following is an entry in ClinVar:

ClinVar aggregate classification (germline): Pathogenic, low penetrance (1 of 4 stars; one submission).

Conditions:
Atypical hemolytic-uremic syndrome. Identifiers: Orphanet 2134, MedGen C2931788, MONDO:0016244.

Submission:

Genomenon, Inc
Classification: Pathogenic, low penetrance for Atypical hemolytic-uremic syndrome. Last evaluated: 2025-10-02. Review status: criteria provided, single submitter. Criteria: Genomenon Sequence Variant Interpretation Standards - Updated. Collection method: curation. Allele origin: germline. Affected: yes.
Comment: CFH c.1160-2A>G is a canonical splice variant located in the acceptor splice region of intron 8. It is predicted to affect mRNA splicing, leading to a deleterious effect on the CFH protein. This variant has been observed in at least one proband affected with atypical hemolytic-uremic syndrome (PMID:24029428). It is absent or not present at a significant frequency in gnomAD. In conclusion, we classify CFH c.1160-2A>G as a pathogenic, low penetrance variant.

Literature cited by the submitters: PubMed 24029428.

NM_000186.4(CFH):c.1160-2A>G

Gene: CFH (complement factor H; plus strand). Cytogenetic location: 1q31.3.
Variant type: single nucleotide variant.
Coding change: c.1160-2A>G on transcript NM_000186.4 (MANE Select); the canonical splice acceptor site of the intron before coding-DNA position 1160, A replaced by G.
Molecular consequence: splice acceptor variant.
Genome position (GRCh38, 1-based): chr1:196,690,061, A>G. VCF-style: chr1-196690061-A-G. GRCh37 (hg19) VCF-style: chr1-196659191-A-G.
Other names: c.1160-2A>G (NM_001014975.3).
Identifiers: ClinVar variation 4291371 (VCV004291371.1).
Genomic context (GRCh38, chr1:196,690,061, plus strand): 5'-TATTTTGAGCAAATTTATGTTTCTCATTTACTTTATTTATTTATCATTGTTATGGTCCTT[A>G]GGAAAATGTTATTTTCCTTATTTGGAAAATGGATATAATCAAAATCATGGAAGAAAGTTT-3'